The following is an entry in ClinVar:

NM_031892.3(SH3KBP1):c.24T>A (p.Phe8Leu)

Gene: SH3KBP1 (SH3 domain containing kinase binding protein 1; minus strand). Cytogenetic location: Xp22.12.
Variant type: single nucleotide variant.
Coding change: c.24T>A on transcript NM_031892.3 (MANE Select); coding-DNA position 24, T replaced by A.
Protein change: p.Phe8Leu; replaces phenylalanine 8 with leucine.
Molecular consequence: missense variant.
Genome position (GRCh38, 1-based): chrX:19,836,263, A>T on the plus strand (T>A on the coding strand, the complement: SH3KBP1 is on the minus strand). VCF-style: chrX-19836263-A-T. GRCh37 (hg19) VCF-style: chrX-19854381-A-T.
Other names: c.24T>A, p.Phe8Leu (NM_001353890.2, NM_001353891.2, NM_001353892.2 and 2 more transcripts); short protein forms F8L.
Identifiers: ClinVar variation 2830991 (VCV002830991.3), dbSNP rs2522952848, ClinGen allele CA412500293.
Genomic context (GRCh38, chrX:19,836,263, plus strand): 5'-GTTGGTGATGATTTCACCCACGCTGATCGTCAGCTCATCATCGTGCTGGGCCTGGTAGTC[A>T]AACTCCACTATGGCCTCCACTGGAAGGAACAGGGAAAACAGAGTAATTTAGGTCAGATGT-3'
Protein context (NP_114098.1, residues 1-18): MVEAIVE[Phe8Leu]DYQAQHDDEL

ClinVar aggregate classification (germline): Uncertain significance (1 of 4 stars; one submission).

Submission:

Labcorp Genetics (formerly Invitae), Labcorp
Classification: Uncertain significance. Last evaluated: 2023-01-27. Review status: criteria provided, single submitter. Criteria: Invitae Variant Classification Sherloc (09022015). Collection method: clinical testing. Allele origin: germline.
Comment: In summary, the available evidence is currently insufficient to determine the role of this variant in disease. Therefore, it has been classified as a Variant of Uncertain Significance. This sequence change replaces phenylalanine, which is neutral and non-polar, with leucine, which is neutral and non-polar, at codon 8 of the SH3KBP1 protein (p.Phe8Leu). This variant is not present in population databases (gnomAD no frequency). This variant has not been reported in the literature in individuals affected with SH3KBP1-related conditions. Advanced modeling of protein sequence and biophysical properties (such as structural, functional, and spatial information, amino acid conservation, physicochemical variation, residue mobility, and thermodynamic stability) performed at Invitae indicates that this missense variant is expected to disrupt SH3KBP1 protein function.